The following is an entry in ClinVar:

NM_152296.5(ATP1A3):c.2140G>A (p.Ala714Thr)

Gene: ATP1A3 (ATPase Na+/K+ transporting subunit alpha 3; minus strand). Cytogenetic location: 19q13.2.
Variant type: single nucleotide variant.
Coding change: c.2140G>A on transcript NM_152296.5 (MANE Select); coding-DNA position 2140, G replaced by A.
Protein change: p.Ala714Thr; replaces alanine 714 with threonine.
Molecular consequence: missense variant.
Genome position (GRCh38, 1-based): chr19:41,975,752, C>T on the plus strand (G>A on the coding strand, the complement: ATP1A3 is on the minus strand). VCF-style: chr19-41975752-C-T. GRCh37 (hg19) VCF-style: chr19-42479904-C-T.
Other names: c.2173G>A, p.Ala725Thr (NM_001256213.2); c.2179G>A, p.Ala727Thr (NM_001256214.2); short protein forms A714T, A725T, A727T.
Identifiers: ClinVar variation 1309226 (VCV001309226.6), dbSNP rs2145959562, ClinGen allele CA406042127.

ClinVar aggregate classification (germline): Uncertain significance. Review status: criteria provided, multiple submitters, no conflicts (2 of 4 stars). 2 submissions from 2 submitters: Uncertain significance (2). Last evaluated 2026-01-27.

Conditions:
Dystonia 12 (DYT12). Also called: Rapid-Onset Dystonia-Parkinsonism (RDP); DYT-ATP1A3. Identifiers: Orphanet 71517, MedGen C1868681, MONDO:0007496, OMIM 128235.

Allele frequency attached by ClinVar (database versions not stated): gnomAD exomes below 0.00001.
gnomAD v4.1: 2 of 1,614,070 alleles (0.00012%); highest among the groups gnomAD compares: Non-Finnish European, 0.000085%; no homozygotes.

Submissions (2):

GeneDx
Classification: Uncertain significance. Last evaluated: 2026-01-27. Review status: criteria provided, single submitter. Criteria: GeneDx Variant Classification Process June 2021. Collection method: clinical testing. Allele origin: germline. Affected: yes.
Comment: Observed in 3 family members in a rapid-onset dystonia-parkinsonism cohort, but clinical details were not provided (PMID: 31361359); Not observed at significant frequency in large population cohorts (gnomAD); In silico analysis supports that this missense variant has a deleterious effect on protein structure/function; This variant is associated with the following publications: (PMID: 31361359)

Labcorp Genetics (formerly Invitae), Labcorp
Classification: Uncertain significance for Dystonia 12. Last evaluated: 2022-11-11. Review status: criteria provided, single submitter. Criteria: Invitae Variant Classification Sherloc (09022015). Collection method: clinical testing. Allele origin: germline.
Comment: This sequence change replaces alanine, which is neutral and non-polar, with threonine, which is neutral and polar, at codon 714 of the ATP1A3 protein (p.Ala714Thr). This variant is not present in population databases (gnomAD no frequency). This missense change has been observed in individual(s) with ATP1A3-related conditions (PMID: 31361359). ClinVar contains an entry for this variant (Variation ID: 1309226). Advanced modeling of protein sequence and biophysical properties (such as structural, functional, and spatial information, amino acid conservation, physicochemical variation, residue mobility, and thermodynamic stability) performed at Invitae indicates that this missense variant is expected to disrupt ATP1A3 protein function. In summary, the available evidence is currently insufficient to determine the role of this variant in disease. Therefore, it has been classified as a Variant of Uncertain Significance.

Literature cited by the submitters: PubMed 31361359 (cited by Labcorp Genetics (formerly Invitae), Labcorp).